The following is an entry in ClinVar:

NM_006306.4(SMC1A):c.*3087G>A

Gene: SMC1A (structural maintenance of chromosomes 1A; minus strand). Cytogenetic location: Xp11.22.
Variant type: single nucleotide variant.
Coding change: c.*3087G>A on transcript NM_006306.4 (MANE Select); 3087 bases downstream of the stop codon, G replaced by A.
Molecular consequence: 3 prime UTR variant.
Genome position (GRCh38, 1-based): chrX:53,377,016, C>T on the plus strand (G>A on the coding strand, the complement: SMC1A is on the minus strand). VCF-style: chrX-53377016-C-T. GRCh37 (hg19) VCF-style: chrX-53403937-C-T.
Other names: c.*3087G>A (NM_001281463.1).
Identifiers: ClinVar variation 914544 (VCV000914544.4), dbSNP rs782024964, ClinGen allele CA329905888.

ClinVar aggregate classification (germline): Likely benign (1 of 4 stars; one submission).

Conditions:
Congenital muscular hypertrophy-cerebral syndrome (CDLS2). Also called: SMC1A-Related Cornelia de Lange Syndrome; Cornelia de Lange syndrome 2. Identifiers: Orphanet 199, MedGen C1802395, MONDO:0010370, OMIM 300590.

Allele frequency attached by ClinVar (database versions not stated): TOPMed 0.00002; gnomAD 0.00004; 1000 Genomes Project 30x 0.00083; 1000 Genomes Project 0.00106.

Submission:

Illumina Laboratory Services, Illumina
Classification: Likely benign for Congenital muscular hypertrophy-cerebral syndrome. Last evaluated: 2018-01-13. Review status: criteria provided, single submitter. Criteria: ICSL Variant Classification Criteria 13 December 2019. Collection method: clinical testing. Allele origin: germline.
Comment: This variant was observed in the ICSL laboratory as part of a predisposition screen in an ostensibly healthy population. It had not been previously curated by ICSL or reported in the Human Gene Mutation Database (HGMD: prior to June 1st, 2018), and was therefore a candidate for classification through an automated scoring system. Utilizing variant allele frequency, disease prevalence and penetrance estimates, and inheritance mode, an automated score was calculated to assess if this variant is too frequent to cause the disease. Based on the score and internal cut-off values, a variant classified as likely benign is not then subjected to further curation. The score for this variant resulted in a classification of likely benign for this disease.